The following is an entry in ClinVar:

NM_001374828.1(ARID1B):c.1534A>G (p.Met512Val)

Gene: ARID1B (AT-rich interaction domain 1B; plus strand). Cytogenetic location: 6q25.3.
Variant type: single nucleotide variant.
Coding change: c.1534A>G on transcript NM_001374828.1 (MANE Select); coding-DNA position 1534, A replaced by G.
Protein change: p.Met512Val; replaces methionine 512 with valine.
Molecular consequence: missense variant.
Genome position (GRCh38, 1-based): chr6:156,779,214, A>G. VCF-style: chr6-156779214-A-G. GRCh37 (hg19) VCF-style: chr6-157100348-A-G.
Other names: c.1285A>G, p.Met429Val (NM_020732.3); c.1534A>G, p.Met512Val (NM_001371656.1, NM_001374820.1, NM_017519.3); short protein forms M429V, M512V.
Identifiers: ClinVar variation 126312 (VCV000126312.49), dbSNP rs199948752, ClinGen allele CA151029.

ClinVar aggregate classification (germline): Benign/Likely benign. Review status: criteria provided, multiple submitters, no conflicts (2 of 4 stars). 10 submissions from 10 submitters: Benign (5); Likely benign (2). 3 of the submissions do not count toward it. Last evaluated 2026-01-26.

Conditions:
ARID1B-Related Disorder. Identifiers: MedGen CN381337.
Inborn genetic diseases. Identifiers: MedGen C0950123, MeSH D030342.
Coffin-Siris syndrome 1 (CSS1). Also called: ARID1B-Related Coffin-Siris Syndrome; Mental retardation, autosomal dominant 12. Identifiers: Orphanet 1465, MedGen C3281201, MONDO:0007617, OMIM 135900. Disease mechanism: gain of function.

Allele frequency attached by ClinVar (database versions not stated): 1000 Genomes Project 30x 0.00016; ESP Exome Variant Server 0.00028; TOPMed 0.00046; gnomAD 0.00058 and 0.00059; gnomAD exomes 0.00066 and 0.00072; ExAC 0.00114.
gnomAD v4.1: 902 of 1,276,488 alleles (0.071%); highest among the groups gnomAD compares: Non-Finnish European, 0.079%; 1 homozygote.

Submissions (10):

Labcorp Genetics (formerly Invitae), Labcorp
Classification: Likely benign. Last evaluated: 2026-01-26. Review status: criteria provided, single submitter. Criteria: Invitae Variant Classification Sherloc (09022015). Collection method: clinical testing. Allele origin: germline.

CeGaT Center for Human Genetics Tuebingen
Classification: Benign. Last evaluated: 2025-10-01. Review status: criteria provided, single submitter. Criteria: CeGaT Center For Human Genetics Tuebingen Variant Classification Criteria Version 2. Collection method: clinical testing. Allele origin: germline. Affected: yes. Observed: 3 variant alleles.
Comment: ARID1B: BS1, BS2

Blueprint Genetics
Classification: Likely benign. Last evaluated: 2024-11-19. Review status: criteria provided, single submitter. Criteria: ACMG Guidelines, 2015. Collection method: clinical testing. Allele origin: germline.

Genome-Nilou Lab
Classification: Benign for Coffin-Siris syndrome 1. Last evaluated: 2021-07-15. Review status: criteria provided, single submitter. Criteria: ACMG Guidelines, 2015. Collection method: clinical testing. Allele origin: germline. Affected: no.

GeneDx
Classification: Benign. Last evaluated: 2020-11-19. Review status: criteria provided, single submitter. Criteria: GeneDx Variant Classification Process June 2021. Collection method: clinical testing. Allele origin: germline. Affected: yes.

Genetic Services Laboratory, University of Chicago
Classification: Benign. Last evaluated: 2019-04-12. Review status: criteria provided, single submitter. Criteria: ACMG Guidelines, 2015. Collection method: clinical testing. Allele origin: germline. Affected: no.

Ambry Genetics
Classification: Benign for Inborn genetic diseases. Last evaluated: 2018-12-21. Review status: criteria provided, single submitter. Criteria: Ambry Variant Classification Scheme 2023. Collection method: clinical testing. Allele origin: germline.

PreventionGenetics, part of Exact Sciences
Classification: Benign for ARID1B-related condition. Last evaluated: 2022-07-15. Review status: no assertion criteria provided. Collection method: clinical testing. Allele origin: germline. Not counted in ClinVar's aggregate classification.
Comment: This variant is classified as benign based on ACMG/AMP sequence variant interpretation guidelines (Richards et al. 2015 PMID: 25741868, with internal and published modifications).

Clinical Genetics DNA and cytogenetics Diagnostics Lab, Erasmus MC, Erasmus Medical Center
Classification: Likely benign. Review status: no assertion criteria provided. Collection method: clinical testing. Allele origin: germline. Affected: yes. Study: VKGL Data-share Consensus. Not counted in ClinVar's aggregate classification.

Diagnostic Laboratory, Department of Genetics, University Medical Center Groningen
Classification: Likely benign. Review status: no assertion criteria provided. Collection method: clinical testing. Allele origin: germline. Affected: yes. Study: VKGL Data-share Consensus. Not counted in ClinVar's aggregate classification.